The following is an entry in ClinVar:

ClinVar aggregate classification (germline): Uncertain significance (1 of 4 stars; one submission).

Submission:

Clinical Genomics Laboratory, Laboratory for Precision Diagnostics, University of Washington
Classification: Uncertain significance. Last evaluated: 2022-02-15. Review status: criteria provided, single submitter. Criteria: ACMG/ClinGen CNV Guidelines, 2019. Collection method: clinical testing. Allele origin: unknown. Affected: yes. Observed: 1 variant allele.

GRCh38/hg38 8p23.2(chr8:2592408-3280124)x3

Genes: CSMD1 (CUB and Sushi multiple domains 1; minus strand), LINC03021 (long intergenic non-protein coding RNA 3021; minus strand), LOC126860285 (BRD4-independent group 4 enhancer GRCh37_chr8:2964721-2965920; plus strand), LOC105377785 (uncharacterized LOC105377785; plus strand), LOC123987607 (Sharpr-MPRA regulatory region 12422; plus strand) and 5 more. Cytogenetic location: 8p23.2.
Variant type: copy number gain.
Change: copy number 3 (three copies instead of two) of chr8:2,592,408-3,280,124 (687.7 kb, GRCh38 coordinates, 1-based), cytogenetic band 8p23.2.
Identifiers: ClinVar variation 4852093 (VCV004852093.1).